The following is an entry in ClinVar:

ClinVar aggregate classification (germline): Uncertain significance. Review status: criteria provided, multiple submitters, no conflicts (2 of 4 stars). 2 submissions from 2 submitters: Uncertain significance (2). Last evaluated 2026-02-02.

Conditions:
Loeys-Dietz syndrome 2 (LDS2). Also called: TGFBR2-Related Loeys-Dietz Syndrome; AORTIC ANEURYSM, FAMILIAL THORACIC 3; MARFAN SYNDROME, TYPE II; Marfan syndrome, type 2 (formerly); Marfan Syndrome type 2; Marfan like connective tissue disorder. Identifiers: Orphanet 284973, Orphanet 558, MedGen C2674574, MONDO:0012427, OMIM 610168.

Allele frequency attached by ClinVar (database versions not stated): ExAC 0.00001; gnomAD 0.00001; gnomAD exomes 0.00001 and 0.00003; TOPMed 0.00001.
gnomAD v4.1: 43 of 1,609,562 alleles (0.0027%); highest among the groups gnomAD compares: Non-Finnish European, 0.0036%; no homozygotes.

Submissions (2):

Labcorp Genetics (formerly Invitae), Labcorp
Classification: Uncertain significance for Loeys-Dietz syndrome 2. Last evaluated: 2026-02-02. Review status: criteria provided, single submitter. Criteria: Invitae Variant Classification Sherloc (09022015). Collection method: clinical testing. Allele origin: germline.
Comment: This sequence change replaces proline, which is neutral and non-polar, with serine, which is neutral and polar, at codon 52 of the TMPO protein (p.Pro52Ser). This variant is present in population databases (rs767796798, gnomAD 0.003%). This variant has not been reported in the literature in individuals affected with TMPO-related conditions. ClinVar contains an entry for this variant (Variation ID: 518840). An algorithm developed to predict the effect of missense changes on protein structure and function outputs the following: PolyPhen-2: "Benign". The serine amino acid residue is found in multiple mammalian species, which suggests that this missense change does not adversely affect protein function. In summary, the available evidence is currently insufficient to determine the role of this variant in disease. Therefore, it has been classified as a Variant of Uncertain Significance.

Ambry Genetics
Classification: Uncertain significance. Last evaluated: 2023-12-10. Review status: criteria provided, single submitter. Criteria: Ambry Variant Classification Scheme 2023. Collection method: clinical testing. Allele origin: germline.
Comment: The p.P52S variant (also known as c.154C>T), located in coding exon 1 of the TMPO gene, results from a C to T substitution at nucleotide position 154. The proline at codon 52 is replaced by serine, an amino acid with similar properties. This amino acid position is well conserved in available vertebrate species; however, serine is the reference amino acid in other vertebrate species. In addition, this alteration is predicted to be tolerated by in silico analysis. Since supporting evidence is limited at this time, the clinical significance of this alteration remains unclear.

NM_001032283.3(TMPO):c.154C>T (p.Pro52Ser)

Genes: TMPO (thymopoietin; plus strand), TMPO-AS1 (TMPO antisense RNA 1; minus strand). Cytogenetic location: 12q23.1.
Variant type: single nucleotide variant.
Coding change: c.154C>T on transcript NM_001032283.3 (MANE Select); coding-DNA position 154, C replaced by T.
Protein change: p.Pro52Ser; replaces proline 52 with serine.
Molecular consequence: missense variant. On other transcripts: non-coding transcript variant (1).
Genome position (GRCh38, 1-based): chr12:98,516,021, C>T. VCF-style: chr12-98516021-C-T. GRCh37 (hg19) VCF-style: chr12-98909799-C-T.
Other names: c.154C>T, p.Pro52Ser (NM_001032284.3, NM_001307975.2, NM_003276.2); short protein forms P52S.
Identifiers: ClinVar variation 518840 (VCV000518840.14), dbSNP rs767796798, ClinGen allele CA6732116.